The following is an entry in ClinVar:

ClinVar aggregate classification (germline): Pathogenic/Likely pathogenic. Review status: criteria provided, multiple submitters, no conflicts (2 of 4 stars). 10 submissions from 9 submitters: Pathogenic (8); Likely pathogenic (1). 1 of the submissions does not count toward it. Last evaluated 2025-03-17.

Conditions:
RHYNS syndrome. Also called: RETINITIS PIGMENTOSA SYNDROME; RETINITIS PIGMENTOSA, HYPOPITUITARISM, NEPHRONOPHTHISIS, AND MILD SKELETAL DYSPLASIA. Identifiers: Orphanet 140976, MedGen C1865794, MONDO:0011202, OMIM 602152.
Bardet-Biedl syndrome 14 (BBS14). Identifiers: Orphanet 110, MedGen C2673874, MONDO:0014442, OMIM 615991.
Meckel syndrome, type 3 (MKS3). Also called: MECKEL-GRUBER SYNDROME, TYPE 3. Identifiers: Orphanet 564, MedGen C1846357, MONDO:0011821, OMIM 607361.
COACH syndrome 1. Identifiers: Orphanet 1454, MedGen C5435651, MONDO:0800103, OMIM 216360, MONDO:0008996.
Nephronophthisis 11 (NPHP11). Identifiers: Orphanet 84081, MedGen C3150796, MONDO:0013302, OMIM 613550.
Joubert syndrome 6 (JBTS6). Identifiers: Orphanet 475, MedGen C1853153, MONDO:0012539, OMIM 610688.
TMEM67-related disorder. Also called: TMEM67-related condition; TMEM67-related disorders. Identifiers: MedGen CN239423.
Joubert syndrome. Also called: JOUBERT-BOLTSHAUSER SYNDROME; Familial aplasia of the vermis. Identifiers: Orphanet 475, MedGen C5979921, MONDO:0018772.
Meckel-Gruber syndrome. Also called: DYSENCEPHALIA SPLANCHNOCYSTICA; GRUBER SYNDROME; Dysencephalia splachnocystica. Identifiers: Orphanet 564, MedGen C0265215, MONDO:0018921.

Allele frequency attached by ClinVar (database versions not stated): gnomAD exomes below 0.00001 and 0.00001; gnomAD 0.00001; TOPMed 0.00002.
gnomAD v4.1: 10 of 1,612,574 alleles (0.00062%); highest among the groups gnomAD compares: Middle Eastern, 0.016%; no homozygotes.

Submissions (10):

Labcorp Genetics (formerly Invitae), Labcorp
Classification: Pathogenic for Joubert syndrome; Meckel-Gruber syndrome. Last evaluated: 2025-03-17. Review status: criteria provided, single submitter. Criteria: Invitae Variant Classification Sherloc (09022015). Collection method: clinical testing. Allele origin: germline.
Comment: This sequence change replaces phenylalanine, which is neutral and non-polar, with serine, which is neutral and polar, at codon 590 of the TMEM67 protein (p.Phe590Ser). This variant is present in population databases (rs267607115, gnomAD 0.002%). This missense change has been observed in individual(s) with Joubert syndrome (PMID: 19058225, 21866095). It has also been observed to segregate with disease in related individuals. ClinVar contains an entry for this variant (Variation ID: 1381). Invitae Evidence Modeling of protein sequence and biophysical properties (such as structural, functional, and spatial information, amino acid conservation, physicochemical variation, residue mobility, and thermodynamic stability) indicates that this missense variant is expected to disrupt TMEM67 protein function with a positive predictive value of 95%. For these reasons, this variant has been classified as Pathogenic.

Fulgent Genetics
Classification: Likely pathogenic for COACH syndrome 1; RHYNS syndrome; Meckel syndrome, type 3; Joubert syndrome 6; Nephronophthisis 11; Bardet-Biedl syndrome 14. Last evaluated: 2024-04-20. Review status: criteria provided, single submitter. Criteria: ACMG Guidelines, 2015. Collection method: clinical testing. Allele origin: germline.

Blueprint Genetics
Classification: Pathogenic for TMEM67-related disorders. Last evaluated: 2024-02-26. Review status: criteria provided, single submitter. Criteria: ACMG Guidelines, 2015. Collection method: clinical testing. Allele origin: germline. Affected: yes. Observed: 4 variant alleles.

Revvity Omics, Revvity
Classification: Pathogenic. Last evaluated: 2021-03-25. Review status: criteria provided, single submitter. Criteria: ACMG Guidelines, 2015. Collection method: clinical testing. Allele origin: germline.

Genomic Research Center, Shahid Beheshti University of Medical Sciences
Classification: Pathogenic for Joubert syndrome 6. Last evaluated: 2018-03-05. Review status: criteria provided, single submitter. Criteria: ACMG Guidelines, 2015. Collection method: clinical testing. Allele origin: inherited. Affected: yes. Observed: 1 variant allele.

Genomic Research Center, Shahid Beheshti University of Medical Sciences
Classification: Pathogenic for COACH syndrome. Last evaluated: 2018-03-05. Review status: criteria provided, single submitter. Criteria: ACMG Guidelines, 2015. Collection method: clinical testing. Allele origin: inherited. Affected: yes. Observed: 1 variant allele.

Baylor Genetics
Classification: Pathogenic for Joubert syndrome 6. Last evaluated: 2017-09-01. Review status: criteria provided, single submitter. Criteria: ACMG Guidelines, 2015. Collection method: clinical testing. Allele origin: paternal. Inheritance: Autosomal recessive inheritance. Affected: yes.

UW Hindbrain Malformation Research Program, University of Washington
Classification: Pathogenic for Joubert syndrome 6. Last evaluated: 2015-02-23. Review status: criteria provided, single submitter. Criteria: Bachmann-Gagescu et al. (J Med Genet. 2015). Collection method: research. Allele origin: unknown. Affected: yes.

TIDEX, University of British Columbia
Classification: Pathogenic for COACH syndrome 1. Review status: criteria provided, single submitter. Criteria: ACMG Guidelines, 2015. Collection method: research. Allele origin: unknown. Inheritance: Autosomal recessive inheritance. Affected: yes.

OMIM
Classification: Pathogenic for COACH SYNDROME. Last evaluated: 2009-02-01. Review status: no assertion criteria provided. Collection method: literature only. Allele origin: germline. Not counted in ClinVar's aggregate classification.

Literature cited by the submitters: PubMed 19058225 (cited by 3 submitters); PubMed 21866095 (cited by Labcorp Genetics (formerly Invitae), Labcorp and Baylor Genetics); PubMed 25326635 (cited by Baylor Genetics); PubMed 8862632 (cited by OMIM).

NM_153704.6(TMEM67):c.1769T>C (p.Phe590Ser)

Gene: TMEM67 (transmembrane protein 67; plus strand). Cytogenetic location: 8q22.1.
Variant type: single nucleotide variant.
Coding change: c.1769T>C on transcript NM_153704.6 (MANE Select); coding-DNA position 1769, T replaced by C.
Protein change: p.Phe590Ser; replaces phenylalanine 590 with serine.
Molecular consequence: missense variant. On other transcripts: non-coding transcript variant (1).
Genome position (GRCh38, 1-based): chr8:93,795,503, T>C. VCF-style: chr8-93795503-T-C. GRCh37 (hg19) VCF-style: chr8-94807731-T-C.
Other names: c.1526T>C, p.Phe509Ser (NM_001142301.1); short protein forms F590S, F509S.
Identifiers: ClinVar variation 1381 (VCV000001381.20), dbSNP rs267607115, ClinGen allele CA210661.